The following is an entry in ClinVar:

ClinVar aggregate classification (germline): Uncertain significance. Review status: criteria provided, multiple submitters, no conflicts (2 of 4 stars). 2 submissions from 2 submitters: Uncertain significance (2). Last evaluated 2025-08-09.

Conditions:
Inborn genetic diseases. Identifiers: MedGen C0950123, MeSH D030342.

Allele frequency attached by ClinVar (database versions not stated): gnomAD 0.00001; TOPMed 0.00001.
gnomAD v4.1: 24 of 1,476,572 alleles (0.0016%); highest among the groups gnomAD compares: Non-Finnish European, 0.0022%; no homozygotes.

Submissions (2):

Ambry Genetics
Classification: Uncertain significance for Inborn genetic diseases. Last evaluated: 2025-08-09. Review status: criteria provided, single submitter. Criteria: Ambry Variant Classification Scheme 2023. Collection method: clinical testing. Allele origin: germline.

Labcorp Genetics (formerly Invitae), Labcorp
Classification: Uncertain significance. Last evaluated: 2022-03-11. Review status: criteria provided, single submitter. Criteria: Invitae Variant Classification Sherloc (09022015). Collection method: clinical testing. Allele origin: germline.
Comment: This sequence change replaces valine, which is neutral and non-polar, with isoleucine, which is neutral and non-polar, at codon 3143 of the EYS protein (p.Val3143Ile). This variant is present in population databases (no rsID available, gnomAD 0.007%). This variant has not been reported in the literature in individuals affected with EYS-related conditions. Algorithms developed to predict the effect of missense changes on protein structure and function output the following: SIFT: "Deleterious"; PolyPhen-2: "Benign"; Align-GVGD: "Class C0". The isoleucine amino acid residue is found in multiple mammalian species, which suggests that this missense change does not adversely affect protein function. In summary, the available evidence is currently insufficient to determine the role of this variant in disease. Therefore, it has been classified as a Variant of Uncertain Significance.

NM_001142800.2(EYS):c.9427G>A (p.Val3143Ile)

Genes: EYS (EGF-like photoreceptor maintenance factor; minus strand), PHF3 (PHD finger protein 3; plus strand). Cytogenetic location: 6q12.
Variant type: single nucleotide variant.
Coding change: c.9427G>A on transcript NM_001142800.2 (MANE Select); coding-DNA position 9427, G replaced by A.
Protein change: p.Val3143Ile; replaces valine 3143 with isoleucine.
Molecular consequence: missense variant. On other transcripts: 3 prime UTR variant (5).
Genome position (GRCh38, 1-based): chr6:63,720,604, C>T on the plus strand (G>A on the coding strand, the complement: EYS is on the minus strand). VCF-style: chr6-63720604-C-T. GRCh37 (hg19) VCF-style: chr6-64430500-C-T.
Other names: c.9427G>A (NM_001142800.1); c.*6896C>T (NM_001290259.2, NM_001370348.2, NM_001370349.2 and 2 more transcripts); c.9490G>A, p.Val3164Ile (NM_001292009.2); short protein forms V3143I, V3164I.
Identifiers: ClinVar variation 1948618 (VCV001948618.3), dbSNP rs1038659994, ClinGen allele CA140236776.